The following is an entry in ClinVar:

ClinVar aggregate classification (germline): Uncertain significance (1 of 4 stars; one submission).

Conditions:
Ataxia-telangiectasia syndrome (AT). Also called: Ataxia-telangiectasia, complementation group D; AT, COMPLEMENTATION GROUP C; ATAXIA-TELANGIECTASIA, COMPLEMENTATION GROUP A; ATAXIA-TELANGIECTASIA, FRESNO VARIANT; Ataxia-telangiectasia; Ataxia telangiectasia (A-T). Identifiers: Orphanet 100, MedGen C0004135, MONDO:0008840, OMIM 208900.

Submission:

Labcorp Genetics (formerly Invitae), Labcorp
Classification: Uncertain significance for Ataxia-telangiectasia syndrome. Last evaluated: 2022-06-27. Review status: criteria provided, single submitter. Criteria: Invitae Variant Classification Sherloc (09022015). Collection method: clinical testing. Allele origin: germline.
Comment: In summary, the available evidence is currently insufficient to determine the role of this variant in disease. Therefore, it has been classified as a Variant of Uncertain Significance. Advanced modeling of protein sequence and biophysical properties (such as structural, functional, and spatial information, amino acid conservation, physicochemical variation, residue mobility, and thermodynamic stability) performed at Invitae indicates that this missense variant is not expected to disrupt ATM protein function. ClinVar contains an entry for this variant (Variation ID: 1000639). This variant has not been reported in the literature in individuals affected with ATM-related conditions. This variant is not present in population databases (gnomAD no frequency). This sequence change replaces serine, which is neutral and polar, with proline, which is neutral and non-polar, at codon 2057 of the ATM protein (p.Ser2057Pro).

NM_000051.4(ATM):c.6169T>C (p.Ser2057Pro)

Genes: ATM (ATM serine/threonine kinase; plus strand), C11orf65 (chromosome 11 open reading frame 65; minus strand). Cytogenetic location: 11q22.3.
Variant type: single nucleotide variant.
Coding change: c.6169T>C on transcript NM_000051.4 (MANE Select); coding-DNA position 6169, T replaced by C.
Protein change: p.Ser2057Pro; replaces serine 2057 with proline.
Molecular consequence: missense variant. On other transcripts: intron variant (2).
Genome position (GRCh38, 1-based): chr11:108,316,084, T>C. VCF-style: chr11-108316084-T-C. GRCh37 (hg19) VCF-style: chr11-108186811-T-C.
Other names: c.6169T>C, p.Ser2057Pro (NM_001351834.2); c.641-7013A>G (NM_001330368.2); c.*39-7013A>G (NM_001351110.2); short protein forms S2057P.
Identifiers: ClinVar variation 1000639 (VCV001000639.9), dbSNP rs2084622401, ClinGen allele CA382550675.